The following is an entry in ClinVar:

NM_033419.5(PGAP3):c.769G>A (p.Val257Met)

Gene: PGAP3 (post-GPI attachment to proteins phospholipase 3; minus strand). Cytogenetic location: 17q12.
Variant type: single nucleotide variant.
Coding change: c.769G>A on transcript NM_033419.5 (MANE Select); coding-DNA position 769, G replaced by A.
Protein change: p.Val257Met; replaces valine 257 with methionine.
Molecular consequence: missense variant. On other transcripts: intron variant (3).
Genome position (GRCh38, 1-based): chr17:39,673,181, C>T on the plus strand (G>A on the coding strand, the complement: PGAP3 is on the minus strand). VCF-style: chr17-39673181-C-T. GRCh37 (hg19) VCF-style: chr17-37829434-C-T.
Other names: c.616G>A, p.Val206Met (NM_001291726.2); c.706G>A, p.Val236Met (NM_001291728.2); c.433-315G>A (NM_001291733.2); c.495-315G>A (NM_001291732.2); c.558-315G>A (NM_001291730.2); c.769G>A (NM_033419.3); short protein forms V236M, V257M, V206M.
Identifiers: ClinVar variation 1919898 (VCV001919898.3), dbSNP rs565676417, ClinGen allele CA8533240.

ClinVar aggregate classification (germline): Conflicting classifications of pathogenicity. Review status: criteria provided, conflicting classifications (1 of 4 stars). 2 submissions from 2 submitters: Uncertain significance (1); Likely benign (1). Last evaluated 2025-10-23.

Conditions:
Inborn genetic diseases. Identifiers: MedGen C0950123, MeSH D030342.

Allele frequency attached by ClinVar (database versions not stated): gnomAD 0.00009; 1000 Genomes Project 0.00020; 1000 Genomes Project 30x 0.00016; ExAC 0.00003; TOPMed 0.00005.

Submissions (2):

Ambry Genetics
Classification: Likely benign for Inborn genetic diseases. Last evaluated: 2025-10-23. Review status: criteria provided, single submitter. Criteria: Ambry Variant Classification Scheme 2023. Collection method: clinical testing. Allele origin: germline.

Labcorp Genetics (formerly Invitae), Labcorp
Classification: Uncertain significance. Last evaluated: 2022-04-27. Review status: criteria provided, single submitter. Criteria: Invitae Variant Classification Sherloc (09022015). Collection method: clinical testing. Allele origin: germline.
Comment: This sequence change replaces valine, which is neutral and non-polar, with methionine, which is neutral and non-polar, at codon 257 of the PGAP3 protein (p.Val257Met). This variant is present in population databases (rs565676417, gnomAD 0.04%). This variant has not been reported in the literature in individuals affected with PGAP3-related conditions. Algorithms developed to predict the effect of missense changes on protein structure and function output the following: SIFT: "Tolerated"; PolyPhen-2: "Benign"; Align-GVGD: "Class C0". The methionine amino acid residue is found in multiple mammalian species, which suggests that this missense change does not adversely affect protein function. In summary, the available evidence is currently insufficient to determine the role of this variant in disease. Therefore, it has been classified as a Variant of Uncertain Significance.